The following is an entry in ClinVar:

NM_000218.3(KCNQ1):c.1822C>G (p.Leu608Val)

Genes: KCNQ1 (potassium voltage-gated channel subfamily Q member 1; plus strand), KCNQ1-AS1 (KCNQ1 antisense RNA 1; minus strand). Cytogenetic location: 11p15.4.
Variant type: single nucleotide variant.
Coding change: c.1822C>G on transcript NM_000218.3 (MANE Select); coding-DNA position 1822, C replaced by G.
Protein change: p.Leu608Val; replaces leucine 608 with valine.
Molecular consequence: missense variant.
Genome position (GRCh38, 1-based): chr11:2,847,794, C>G. VCF-style: chr11-2847794-C-G. GRCh37 (hg19) VCF-style: chr11-2869024-C-G.
Other names: c.1726C>G, p.Leu576Val (NM_001406836.1); c.1552C>G, p.Leu518Val (NM_001406837.1); c.1282C>G, p.Leu428Val (NM_001406838.1); c.334C>G, p.Leu112Val (NM_001406839.1); c.1441C>G, p.Leu481Val (NM_181798.2); short protein forms L481V, L608V, L112V, L428V, L518V, L576V.
Identifiers: ClinVar variation 519360 (VCV000519360.8), dbSNP rs1554932663, ClinGen allele CA379140231.

ClinVar aggregate classification (germline): Uncertain significance. Review status: criteria provided, multiple submitters, no conflicts (2 of 4 stars). 2 submissions from 2 submitters: Uncertain significance (2). Last evaluated 2025-05-05.

Conditions:
Long QT syndrome (LQTS). Identifiers: MedGen C0023976, MeSH D008133, MONDO:0002442. Disease mechanism: loss of function. Inheritance: Various modes of inheritance.
Cardiovascular phenotype. Identifiers: MedGen CN230736.

Submissions (2):

Labcorp Genetics (formerly Invitae), Labcorp
Classification: Uncertain significance for Long QT syndrome. Last evaluated: 2025-05-05. Review status: criteria provided, single submitter. Criteria: Invitae Variant Classification Sherloc (09022015). Collection method: clinical testing. Allele origin: germline.
Comment: This sequence change replaces leucine, which is neutral and non-polar, with valine, which is neutral and non-polar, at codon 608 of the KCNQ1 protein (p.Leu608Val). This variant is not present in population databases (gnomAD no frequency). This variant has not been reported in the literature in individuals affected with KCNQ1-related conditions. ClinVar contains an entry for this variant (Variation ID: 519360). Invitae Evidence Modeling of protein sequence and biophysical properties (such as structural, functional, and spatial information, amino acid conservation, physicochemical variation, residue mobility, and thermodynamic stability) indicates that this missense variant is not expected to disrupt KCNQ1 protein function with a negative predictive value of 95%. In summary, the available evidence is currently insufficient to determine the role of this variant in disease. Therefore, it has been classified as a Variant of Uncertain Significance.

Ambry Genetics
Classification: Uncertain significance for Cardiovascular phenotype. Last evaluated: 2016-12-07. Review status: criteria provided, single submitter. Criteria: Ambry Variant Classification Scheme 2023. Collection method: clinical testing. Allele origin: germline.
Comment: The p.L608V variant (also known as c.1822C>G), located in coding exon 16 of the KCNQ1 gene, results from a C to G substitution at nucleotide position 1822. The leucine at codon 608 is replaced by valine, an amino acid with highly similar properties. This amino acid position is not well conserved in available vertebrate species, and valine is the reference amino acid in other vertebrate species. In addition, the in silico prediction for this alteration is inconclusive. Since supporting evidence is limited at this time, the clinical significance of this alteration remains unclear.